The following is an entry in ClinVar:

NM_000070.3(CAPN3):c.802-9G>A

Gene: CAPN3 (calpain 3; plus strand). Cytogenetic location: 15q15.1.
Variant type: single nucleotide variant.
Coding change: c.802-9G>A on transcript NM_000070.3 (MANE Select); 9 bases into the intron before coding-DNA position 802, G replaced by A.
Molecular consequence: intron variant.
Genome position (GRCh38, 1-based): chr15:42,389,944, G>A. VCF-style: chr15-42389944-G-A. GRCh37 (hg19) VCF-style: chr15-42682142-G-A.
Other names: c.802-9G>A (NM_024344.2); c.801+848G>A (NM_173087.2).
Identifiers: ClinVar variation 280037 (VCV000280037.34), dbSNP rs761211705, ClinGen allele CA7511134.
Genomic context (GRCh38, chr15:42,389,944, plus strand): 5'-CTTTCCACCCTTCTGTGTTTGTTCTCTCCCTCCCCTGTGTTGTTCCCTACATTCTCCATC[G>A]GGCCTCAGGATGGCACGAACATGACCTATGGAACCTCTCCTTCTGGTCTGAACATGGGGG-3'

ClinVar aggregate classification (germline): Pathogenic. Review status: criteria provided, multiple submitters, no conflicts (2 of 4 stars). 12 submissions from 12 submitters: Pathogenic (11). 1 of the submissions does not count toward it. Last evaluated 2026-01-08.

Conditions:
Muscular dystrophy, limb-girdle, autosomal dominant 4. Also called: Calpain-3-related limb-girdle muscular dystrophy D4; MUSCULAR DYSTROPHY, LIMB-GIRDLE, TYPE 1I. Identifiers: Orphanet 565909, MedGen C4748295, MONDO:0029133, OMIM 618129.
Autosomal recessive limb-girdle muscular dystrophy type 2A (LGMDR1). Also called: Muscular dystrophy, limb-girdle, type 2A, Amish; Limb-girdle muscular dystrophy, type 2A; Calpainopathy; LEYDEN-MOEBIUS MUSCULAR DYSTROPHY; MUSCULAR DYSTROPHY, PELVOFEMORAL. Identifiers: Orphanet 267, MedGen C1869123, MONDO:0009675, OMIM 253600. Disease mechanism: loss of function.
CAPN3-related disorder. Also called: CAPN3-related condition; CAPN3-related disorders. Identifiers: MedGen CN239245.

Allele frequency attached by ClinVar (database versions not stated): ExAC 0.00001; gnomAD exomes 0.00002; TOPMed 0.00002; gnomAD 0.00003.
gnomAD v4.1: 39 of 1,613,456 alleles (0.0024%); highest among the groups gnomAD compares: Non-Finnish European, 0.0031%; no homozygotes.

Submissions (12):

Labcorp Genetics (formerly Invitae), Labcorp
Classification: Pathogenic for Autosomal recessive limb-girdle muscular dystrophy type 2A. Last evaluated: 2026-01-08. Review status: criteria provided, single submitter. Criteria: Invitae Variant Classification Sherloc (09022015). Collection method: clinical testing. Allele origin: germline.
Comment: This sequence change falls in intron 5 of the CAPN3 gene. It does not directly change the encoded amino acid sequence of the CAPN3 protein. RNA analysis indicates that this variant induces altered splicing and may result in an absent or altered protein product. This variant is present in population databases (rs761211705, gnomAD 0.006%). This variant has been observed in individual(s) with autosomal recessive limb-girdle muscular dystrophy (PMID: 16141003, 17979987). In at least one individual the data is consistent with being in trans (on the opposite chromosome) from a pathogenic variant. ClinVar contains an entry for this variant (Variation ID: 280037). Studies have shown that this variant results in abnormal splicing, and produces a non-functional protein and/or introduces a premature termination codon (PMID: 17979987). For these reasons, this variant has been classified as Pathogenic.

Natera, Inc.
Classification: Pathogenic for Limb-girdle muscular dystrophy type 2A. Last evaluated: 2025-11-19. Review status: criteria provided, single submitter. Criteria: Natera Variant Classification Schema (03/2026). Collection method: clinical testing. Allele origin: germline.
Comment: The c.802-9G>A variant in CAPN3 is an intronic variant located outside the canonical splice sites. This variant is rare in the general population with a frequency below the threshold expected for the associated phenotype(s). This variant has been observed in one or more individuals affected with the associated recessive disease, as either homozygous or compound heterozygous with a second variant (PMID: 18563459, 17979987, 16141003, 28403181, 18854869). Computational prediction algorithms indicate this variant is likely to affect gene or protein function. Given the available evidence, this variant is classified as Pathogenic.

Revvity Omics, Revvity
Classification: Pathogenic. Last evaluated: 2025-04-09. Review status: criteria provided, single submitter. Criteria: ACMG Guidelines, 2015. Collection method: clinical testing. Allele origin: germline.

Athena Diagnostics
Classification: Pathogenic. Last evaluated: 2024-08-30. Review status: criteria provided, single submitter. Criteria: Athena Diagnostics Criteria. Collection method: clinical testing. Allele origin: unknown.
Comment: The frequency of this variant in the general population is consistent with pathogenicity. Experiments in patient-derived samples showed absence or significant reduction in CAPN3 protein level/activity in multiple patients (PMID: 17979987, 18563459, 19048948) In multiple individuals, this variant has been seen with a single recessive pathogenic variant in the same gene, suggesting this variant may also be pathogenic. Computational tools yielded predictions that this variant may interfere with normal RNA splicing.

3billion
Classification: Pathogenic for Autosomal recessive limb-girdle muscular dystrophy type 2A. Last evaluated: 2024-06-24. Review status: criteria provided, single submitter. Criteria: ACMG Guidelines, 2015. Collection method: clinical testing. Allele origin: germline. Affected: yes.
Comment: The variant is observed at an extremely low frequency in the gnomAD v4.0.0 dataset (total allele frequency: 0.002%). Predicted Consequence/Location: Intron variant In silico tools predict the variant to alter splicing and produce an abnormal transcript [SpliceAI: 0.99 (>=0.2, moderate evidence for spliceogenicity)]. The variant has been observed in multiple (>3) similarly affected unrelated individuals (PMID: 16141003, 17979987, 18563459, 25214167). The variant has been reported at least twice as pathogenic with clinical assertions and evidence for the classification (ClinVar ID: VCV000280037 /PMID: 16141003). Therefore, this variant is classified as Pathogenic according to the recommendation of ACMG/AMP guideline.

Baylor Genetics
Classification: Pathogenic for Muscular dystrophy, limb-girdle, autosomal dominant 4. Last evaluated: 2024-02-10. Review status: criteria provided, single submitter. Criteria: ACMG Guidelines, 2015. Collection method: clinical testing. Allele origin: unknown.

Blueprint Genetics
Classification: Pathogenic for CAPN3-related disorders. Last evaluated: 2024-01-04. Review status: criteria provided, single submitter. Criteria: ACMG Guidelines, 2015. Collection method: clinical testing. Allele origin: germline. Affected: yes. Observed: 5 variant alleles.

GeneDx
Classification: Pathogenic. Last evaluated: 2023-07-27. Review status: criteria provided, single submitter. Criteria: GeneDx Variant Classification Process June 2021. Collection method: clinical testing. Allele origin: germline. Affected: yes.
Comment: Non-canonical splice site variant demonstrated to result in loss-of-function (Krahn et al., 2007); In silico analysis supports a deleterious effect on splicing; Not observed at significant frequency in large population cohorts (gnomAD); This variant is associated with the following publications: (PMID: 16141003, 19048948, 29797799, 25214167, 31589614, 33250842, 35169782, 17979987, 31069529)

Fulgent Genetics
Classification: Pathogenic for Autosomal recessive limb-girdle muscular dystrophy type 2A; Muscular dystrophy, limb-girdle, autosomal dominant 4. Last evaluated: 2022-05-25. Review status: criteria provided, single submitter. Criteria: ACMG Guidelines, 2015. Collection method: clinical testing. Allele origin: unknown.

Eurofins Ntd Llc (ga)
Classification: Pathogenic. Last evaluated: 2017-01-20. Review status: criteria provided, single submitter. Criteria: EGL Classification Definitions 2015. Collection method: clinical testing. Allele origin: germline. Observed: 3 variant alleles, 3 heterozygotes.

Lifecell International Pvt. Ltd
Classification: Pathogenic for Autosomal recessive limb-girdle muscular dystrophy type 2A. Review status: criteria provided, single submitter. Criteria: ACMG Guidelines, 2015. Collection method: clinical testing. Allele origin: germline. Inheritance: Autosomal recessive inheritance. Affected: yes. Observed: 1 homozygote.
Comment: A Homozygote Intron variant c.802-9G>A in Exon 5 of the CAPN3 gene that results in the amino acid substitution was identified. The observed variant has a minor allele frequency of 0.00002/0.00003 in gnomAD exomes and genomes, respectively. The severity of the impact of this variant on the protein is high, based on the effect of the protein and REVEL score. Rare Exome Variant Ensemble Learner (REVEL) is an ensembl method for predicting the pathogenicity of missense variants based on a combination of scores from 13 individual tools: MutPred, FATHMM v2.3, VEST 3.0, PolyPhen-2, SIFT, PROVEAN, MutationAssessor, MutationTaster, LRT, GERP++, SiPhy, phyloP, and phastCons. The REVEL score for an individual missense variant can range from 0 to 1, with higher scores reflecting greater likelihood that the variant is disease-causing. ClinVar has also classified this variant as Pathogenic [Variation ID: 280037]. The observed variant has been reported in individual(s) with limb-girdle muscular dystrophy. Studies have shown that this variant results in abnormal splicing and introduces a premature termination codon (Krahn M, et.al, 2007). For these reasons, this variant has been classified as Pathogenic.

Counsyl
Classification: Likely pathogenic for Autosomal recessive limb-girdle muscular dystrophy type 2A. Last evaluated: 2017-05-17. Review status: no assertion criteria provided. Collection method: clinical testing. Allele origin: unknown. Not counted in ClinVar's aggregate classification.

Literature cited by the submitters: PubMed 16141003 (cited by 6 submitters); PubMed 17979987 (cited by 7 submitters); PubMed 18563459 (cited by 4 submitters); PubMed 28403181 (cited by Natera, Inc.); PubMed 18854869 (cited by Natera, Inc. and Counsyl); PubMed 25214167 (cited by 3 submitters); PubMed 16607617 (cited by Athena Diagnostics); PubMed 19048948 (cited by Athena Diagnostics); PubMed 33250842 (cited by Athena Diagnostics); PubMed 35169782 (cited by Athena Diagnostics); PubMed 31555977 (cited by Athena Diagnostics); PubMed 27081656 (cited by 3 submitters); PubMed 38361118 (cited by Athena Diagnostics).